The following is an entry in ClinVar:

ClinVar aggregate classification (germline): Uncertain significance (1 of 4 stars; one submission).

Conditions:
Hereditary cancer-predisposing syndrome. Also called: Neoplastic Syndromes, Hereditary; Tumor predisposition; Hereditary Cancer Syndrome; Hereditary neoplastic syndrome. Identifiers: Orphanet 140162, MedGen C0027672, MeSH D009386, MONDO:0015356.

Submission:

Ambry Genetics
Classification: Uncertain significance for Hereditary cancer-predisposing syndrome. Last evaluated: 2026-04-29. Review status: criteria provided, single submitter. Criteria: Ambry Variant Classification Scheme 2023. Collection method: clinical testing. Allele origin: germline.
Comment: The p.P1357S variant (also known as c.4069C>T), located in coding exon 27 of the ALK gene, results from a C to T substitution at nucleotide position 4069. The proline at codon 1357 is replaced by serine, an amino acid with similar properties. This amino acid position is highly conserved in available vertebrate species. In silico splice site analysis predicts that this alteration will result in the creation or strengthening of a novel splice donor site. Based on the available evidence, the clinical significance of this variant remains unclear.

NM_004304.5(ALK):c.4069C>T (p.Pro1357Ser)

Gene: ALK (ALK receptor tyrosine kinase; minus strand). Cytogenetic location: 2p23.2.
Variant type: single nucleotide variant.
Coding change: c.4069C>T on transcript NM_004304.5 (MANE Select); coding-DNA position 4069, C replaced by T.
Protein change: p.Pro1357Ser; replaces proline 1357 with serine.
Molecular consequence: missense variant.
Genome position (GRCh38, 1-based): chr2:29,197,546, G>A on the plus strand (C>T on the coding strand, the complement: ALK is on the minus strand). VCF-style: chr2-29197546-G-A. GRCh37 (hg19) VCF-style: chr2-29420412-G-A.
Other names: c.865C>T, p.Pro289Ser (NM_001353765.2); short protein forms P1357S, P289S.
Identifiers: ClinVar variation 4870136 (VCV004870136.1).